The following continues an entry in ClinVar:

NM_007294.4(BRCA1):c.4120_4121del (p.Glu1373_Ser1374insTer)

Gene: BRCA1. ClinVar aggregate classification (germline): Pathogenic. Pathogenic (1).

Submissions 11 to 16 of 16:

Consortium of Investigators of Modifiers of BRCA1/2 (CIMBA), c/o University of Cambridge
Classification: Pathogenic for Breast-ovarian cancer, familial, susceptibility to, 1. Last evaluated: 2015-10-02. Review status: criteria provided, single submitter. Criteria: CIMBA Mutation Classification guidelines May 2016. Collection method: clinical testing. Allele origin: germline. Not counted in ClinVar's aggregate classification.

University Health Network, Familial Cancer Clinic, Princess Margaret Cancer Centre
Classification: Pathogenic for BRCA1-related cancer predisposition. Review status: criteria provided, single submitter. Criteria: ACMG Guidelines, 2015. Collection method: clinical testing. Allele origin: germline. Inheritance: Autosomal dominant inheritance. Affected: no and yes. Observed: 4 variant alleles. Clinical features observed: Prostate cancer (HP:0012125), Breast carcinoma (HP:0003002). Not counted in ClinVar's aggregate classification.

Research Molecular Genetics Laboratory, Women's College Hospital, University of Toronto
Classification: Pathogenic for Hereditary breast ovarian cancer syndrome. Last evaluated: 2014-01-31. Review status: no assertion criteria provided. Collection method: research. Allele origin: germline. Affected: yes. Study: The Canadian Open Genetics Repository (COGR). Not counted in ClinVar's aggregate classification.

Sharing Clinical Reports Project (SCRP)
Classification: Pathogenic for Breast-ovarian cancer, familial 1. Last evaluated: 2009-04-30. Review status: no assertion criteria provided. Collection method: clinical testing. Allele origin: germline. Not counted in ClinVar's aggregate classification.

Breast Cancer Information Core (BIC) (BRCA1)
Classification: Pathogenic for Breast-ovarian cancer, familial 1. Last evaluated: 2004-02-20. Review status: no assertion criteria provided. Collection method: clinical testing. Allele origin: germline. Affected: yes. Observed: 4 variant alleles. Not counted in ClinVar's aggregate classification.

Department of Pathology and Laboratory Medicine, Sinai Health System
Classification: Pathogenic. Review status: no assertion criteria provided. Collection method: clinical testing. Allele origin: unknown. Affected: yes. Study: The Canadian Open Genetics Repository (COGR). Not counted in ClinVar's aggregate classification.

Literature cited by the submitters: PubMed 20104584 (cited by Labcorp Genetics (formerly Invitae), Labcorp); PubMed 8968102 (cited by 3 submitters); PubMed 22006311 (cited by Labcorp Genetics (formerly Invitae), Labcorp and Quest Diagnostics Nichols Institute San Juan Capistrano); PubMed 29446198 (cited by 3 submitters); PubMed 30287823 (cited by Ambry Genetics and Quest Diagnostics Nichols Institute San Juan Capistrano); PubMed 30702160 (cited by Ambry Genetics and Quest Diagnostics Nichols Institute San Juan Capistrano); PubMed 26556299 (cited by Quest Diagnostics Nichols Institute San Juan Capistrano); PubMed 29673794 (cited by Quest Diagnostics Nichols Institute San Juan Capistrano); PubMed 28111427 (cited by Quest Diagnostics Nichols Institute San Juan Capistrano); PubMed 11595708 (cited by Women's Health and Genetics/Laboratory Corporation of America, LabCorp); PubMed 15145354 (cited by 3DMed Clinical Laboratory Inc).